The following is an entry in ClinVar:

ClinVar aggregate classification (germline): Pathogenic. Review status: criteria provided, multiple submitters, no conflicts (2 of 4 stars). 2 submissions from 2 submitters: Pathogenic (2). Last evaluated 2023-10-03.

Conditions:
Retinitis pigmentosa 39 (RP39). Identifiers: Orphanet 791, MedGen C3151138, MONDO:0013436, OMIM 613809.

Allele frequency attached by ClinVar (database versions not stated): ExAC 0.00001.

Submissions (2):

Labcorp Genetics (formerly Invitae), Labcorp
Classification: Pathogenic. Last evaluated: 2023-10-03. Review status: criteria provided, single submitter. Criteria: Invitae Variant Classification Sherloc (09022015). Collection method: clinical testing. Allele origin: germline.
Comment: This sequence change creates a premature translational stop signal (p.Val2010Alafs*10) in the USH2A gene. It is expected to result in an absent or disrupted protein product. Loss-of-function variants in USH2A are known to be pathogenic (PMID: 10729113, 10909849, 20507924, 25649381). This variant is present in population databases (rs762482370, gnomAD 0.0009%). This premature translational stop signal has been observed in individual(s) with Usher syndrome (PMID: 25575603, 33576794). ClinVar contains an entry for this variant (Variation ID: 2202957). For these reasons, this variant has been classified as Pathogenic.

Baylor Genetics
Classification: Pathogenic for Retinitis pigmentosa 39. Last evaluated: 2022-08-30. Review status: criteria provided, single submitter. Criteria: ACMG Guidelines, 2015. Collection method: clinical testing. Allele origin: unknown.

Literature cited by the submitters: PubMed 10729113 (cited by Labcorp Genetics (formerly Invitae), Labcorp); PubMed 10909849 (cited by Labcorp Genetics (formerly Invitae), Labcorp); PubMed 20507924 (cited by Labcorp Genetics (formerly Invitae), Labcorp); PubMed 25649381 (cited by Labcorp Genetics (formerly Invitae), Labcorp); PubMed 25575603 (cited by Labcorp Genetics (formerly Invitae), Labcorp); PubMed 33576794 (cited by Labcorp Genetics (formerly Invitae), Labcorp).

NM_206933.4(USH2A):c.6029del (p.Val2010fs)

Gene: USH2A (usherin; minus strand). Cytogenetic location: 1q41.
Variant type: Deletion.
Coding change: c.6029del on transcript NM_206933.4 (MANE Select); coding-DNA position 6029, one base deleted (T; older notation c.6029delT).
Protein change: p.Val2010fs; shifts the reading frame from valine 2010.
Molecular consequence: frameshift variant.
Genome position (GRCh38, 1-based): chr1:216,070,121, A deleted on the plus strand (T on the coding strand, the reverse complement: USH2A is on the minus strand). VCF-style (leftmost placement, unchanged base first): chr1-216070120-GA-G. GRCh37 (hg19) VCF-style: chr1-216243462-GA-G.
Other names: short protein forms V2010fs.
Identifiers: ClinVar variation 2202957 (VCV002202957.5), dbSNP rs762482370, ClinGen allele CA1395275.
Genomic context (GRCh38, chr1:216,070,120, plus strand): 5'-GGAAGTTAATAGGGTCTACTCTGTTAAAGGATTGCATTTACCTGTGAGGTTGCTTGTATT[GA>G]CAAATTCAGCACTGGCAGAGGGCATGCGGGGTGGACGGGTGCTGTCCTCACTATAGGCTT-3'